The following is an entry in ClinVar:

ClinVar aggregate classification (germline): Likely benign (0 of 4 stars; one submission).

Conditions:
PIK3C2B-related disorder. Also called: PIK3C2B-related condition.

Allele frequency attached by ClinVar (database versions not stated): gnomAD exomes below 0.00001; ExAC 0.00003; gnomAD 0.00005; TOPMed 0.00007; ESP Exome Variant Server 0.00008.
gnomAD v4.1: 9 of 1,614,082 alleles (0.00056%); highest among the groups gnomAD compares: African/African-American, 0.008%; no homozygotes.

Submission:

PreventionGenetics, part of Exact Sciences
Classification: Likely benign for PIK3C2B-related condition. Last evaluated: 2019-02-22. Review status: no assertion criteria provided. Collection method: clinical testing. Allele origin: germline.
Comment: This variant is classified as likely benign based on ACMG/AMP sequence variant interpretation guidelines (Richards et al. 2015 PMID: 25741868, with internal and published modifications).

NM_001377334.1(PIK3C2B):c.3018G>A (p.Gln1006=)

Gene: PIK3C2B (phosphatidylinositol-4-phosphate 3-kinase catalytic subunit type 2 beta; minus strand). Cytogenetic location: 1q32.1.
Variant type: single nucleotide variant.
Coding change: c.3018G>A on transcript NM_001377334.1 (MANE Select); coding-DNA position 3018, G replaced by A.
Protein change: p.Gln1006=; no amino-acid change (glutamine 1006 retained).
Molecular consequence: synonymous variant.
Genome position (GRCh38, 1-based): chr1:204,443,447, C>T on the plus strand (G>A on the coding strand, the complement: PIK3C2B is on the minus strand). VCF-style: chr1-204443447-C-T. GRCh37 (hg19) VCF-style: chr1-204412575-C-T.
Other names: c.2934G>A, p.Gln978= (NM_001377335.1); c.3018G>A, p.Gln1006= (NM_002646.4).
Identifiers: ClinVar variation 3057939 (VCV003057939.2), dbSNP rs139118184, ClinGen allele CA1347529.